The following is an entry in ClinVar:

NM_005228.5(EGFR):c.319A>G (p.Ile107Val)

Gene: EGFR (epidermal growth factor receptor; plus strand). Cytogenetic location: 7p11.2.
Variant type: single nucleotide variant.
Coding change: c.319A>G on transcript NM_005228.5 (MANE Select); coding-DNA position 319, A replaced by G.
Protein change: p.Ile107Val; replaces isoleucine 107 with valine.
Molecular consequence: missense variant. On other transcripts: intron variant (1).
Genome position (GRCh38, 1-based): chr7:55,143,383, A>G. VCF-style: chr7-55143383-A-G. GRCh37 (hg19) VCF-style: chr7-55211076-A-G.
Other names: c.319A>G, p.Ile107Val (NM_001346897.2, NM_001346898.2, NM_001346899.2 and 3 more transcripts); c.160A>G, p.Ile54Val (NM_001346900.2); c.89-12447A>G (NM_001346941.2); short protein forms I54V, I107V.
Identifiers: ClinVar variation 1981707 (VCV001981707.5), dbSNP rs1794577015, ClinGen allele CA367575780.

ClinVar aggregate classification (germline): Uncertain significance. Review status: criteria provided, multiple submitters, no conflicts (2 of 4 stars). 2 submissions from 2 submitters: Uncertain significance (2). Last evaluated 2026-06-02.

Conditions:
Hereditary cancer-predisposing syndrome. Also called: Neoplastic Syndromes, Hereditary; Tumor predisposition; Hereditary Cancer Syndrome; Hereditary neoplastic syndrome. Identifiers: Orphanet 140162, MedGen C0027672, MeSH D009386, MONDO:0015356.
EGFR-related lung cancer (EGFR). Identifiers: MedGen CN130014.

Allele frequency attached by ClinVar (database versions not stated): TOPMed below 0.00001.
gnomAD v4.1: 1 of 1,614,222 alleles (0.000062%); highest among the groups gnomAD compares: Non-Finnish European, 0.000085%; no homozygotes.

Submissions (2):

Ambry Genetics
Classification: Uncertain significance for Hereditary cancer-predisposing syndrome. Last evaluated: 2026-06-02. Review status: criteria provided, single submitter. Criteria: Ambry Variant Classification Scheme 2023. Collection method: clinical testing. Allele origin: germline.
Comment: The p.I107V variant (also known as c.319A>G), located in coding exon 3 of the EGFR gene, results from an A to G substitution at nucleotide position 319. The isoleucine at codon 107 is replaced by valine, an amino acid with highly similar properties. This amino acid position is well conserved in available vertebrate species. In addition, the in silico prediction for this alteration is inconclusive. Based on the available evidence, the clinical significance of this variant remains unclear.

Labcorp Genetics (formerly Invitae), Labcorp
Classification: Uncertain significance for EGFR-related lung cancer. Last evaluated: 2022-08-28. Review status: criteria provided, single submitter. Criteria: Invitae Variant Classification Sherloc (09022015). Collection method: clinical testing. Allele origin: germline.
Comment: In summary, the available evidence is currently insufficient to determine the role of this variant in disease. Therefore, it has been classified as a Variant of Uncertain Significance. Algorithms developed to predict the effect of missense changes on protein structure and function output the following: SIFT: "Tolerated"; PolyPhen-2: "Benign"; Align-GVGD: "Class C0". The valine amino acid residue is found in multiple mammalian species, which suggests that this missense change does not adversely affect protein function. This variant has not been reported in the literature in individuals affected with EGFR-related conditions. This variant is not present in population databases (gnomAD no frequency). This sequence change replaces isoleucine, which is neutral and non-polar, with valine, which is neutral and non-polar, at codon 107 of the EGFR protein (p.Ile107Val).